The following is an entry in ClinVar:

ClinVar aggregate classification (germline): Uncertain significance (1 of 4 stars; one submission).

Conditions:
Arrhythmogenic right ventricular dysplasia 13. Also called: Arrhythmogenic right ventricular dysplasia, familial, 13; ARRHYTHMOGENIC RIGHT VENTRICULAR CARDIOMYOPATHY 13. Identifiers: MedGen C3810138, MONDO:0000908, OMIM 615616.

Allele frequency attached by ClinVar (database versions not stated): gnomAD exomes below 0.00001.
gnomAD v4.1: 1 of 1,614,058 alleles (0.000062%); highest among the groups gnomAD compares: Non-Finnish European, 0.000085%; no homozygotes.

Submission:

Labcorp Genetics (formerly Invitae), Labcorp
Classification: Uncertain significance for Arrhythmogenic right ventricular dysplasia 13. Last evaluated: 2023-10-24. Review status: criteria provided, single submitter. Criteria: Invitae Variant Classification Sherloc (09022015). Collection method: clinical testing. Allele origin: germline.
Comment: This sequence change replaces proline, which is neutral and non-polar, with serine, which is neutral and polar, at codon 268 of the CTNNA3 protein (p.Pro268Ser). This variant is not present in population databases (gnomAD no frequency). This variant has not been reported in the literature in individuals affected with CTNNA3-related conditions. Advanced modeling of protein sequence and biophysical properties (such as structural, functional, and spatial information, amino acid conservation, physicochemical variation, residue mobility, and thermodynamic stability) performed at Invitae indicates that this missense variant is not expected to disrupt CTNNA3 protein function with a negative predictive value of 80%. In summary, the available evidence is currently insufficient to determine the role of this variant in disease. Therefore, it has been classified as a Variant of Uncertain Significance.

NM_013266.4(CTNNA3):c.802C>T (p.Pro268Ser)

Gene: CTNNA3 (catenin alpha 3; minus strand). Cytogenetic location: 10q21.3.
Variant type: single nucleotide variant.
Coding change: c.802C>T on transcript NM_013266.4 (MANE Select); coding-DNA position 802, C replaced by T.
Protein change: p.Pro268Ser; replaces proline 268 with serine.
Molecular consequence: missense variant.
Genome position (GRCh38, 1-based): chr10:67,219,648, G>A on the plus strand (C>T on the coding strand, the complement: CTNNA3 is on the minus strand). VCF-style: chr10-67219648-G-A. GRCh37 (hg19) VCF-style: chr10-68979406-G-A.
Other names: c.802C>T, p.Pro268Ser (NM_001127384.3); c.838C>T, p.Pro280Ser (NM_001291133.2); short protein forms P280S, P268S.
Identifiers: ClinVar variation 2974953 (VCV002974953.3), dbSNP rs2548039478, ClinGen allele CA377097224.
Genomic context (GRCh38, chr10:67,219,648, plus strand): 5'-TATCTTTCTCCCGACTTACCTCCAGCTCATCAAGGGCACTTCCCAGGGTTGCTGCCTGAG[G>A]TTCTGGTGGGGTTGTCATATTCTGGATCCCTTGTGAAGCATTTGAAATTACATTGAGAGC-3'
Protein context (NP_037398.2, residues 258-278): GIQNMTTPPE[Pro268Ser]QAATLGSALD